The following is an entry in ClinVar:

ClinVar aggregate classification (germline): Uncertain significance (1 of 4 stars; one submission).

Conditions:
Peroxisome biogenesis disorder, complementation group K (CGK). Identifiers: MedGen C1866257, MONDO:0800365.

Submission:

Labcorp Genetics (formerly Invitae), Labcorp
Classification: Uncertain significance for Peroxisome biogenesis disorder, complementation group K. Last evaluated: 2024-07-10. Review status: criteria provided, single submitter. Criteria: Invitae Variant Classification Sherloc (09022015). Collection method: clinical testing. Allele origin: germline.
Comment: This sequence change replaces serine, which is neutral and polar, with proline, which is neutral and non-polar, at codon 218 of the PEX14 protein (p.Ser218Pro). This variant is not present in population databases (gnomAD no frequency). This variant has not been reported in the literature in individuals affected with PEX14-related conditions. Advanced modeling of protein sequence and biophysical properties (such as structural, functional, and spatial information, amino acid conservation, physicochemical variation, residue mobility, and thermodynamic stability) performed at Invitae indicates that this missense variant is expected to disrupt PEX14 protein function with a positive predictive value of 80%. In summary, the available evidence is currently insufficient to determine the role of this variant in disease. Therefore, it has been classified as a Variant of Uncertain Significance.

NM_004565.3(PEX14):c.652T>C (p.Ser218Pro)

Gene: PEX14 (peroxisomal biogenesis factor 14; plus strand). Cytogenetic location: 1p36.22.
Variant type: single nucleotide variant.
Coding change: c.652T>C on transcript NM_004565.3 (MANE Select); coding-DNA position 652, T replaced by C.
Protein change: p.Ser218Pro; replaces serine 218 with proline.
Molecular consequence: missense variant.
Genome position (GRCh38, 1-based): chr1:10,627,338, T>C. VCF-style: chr1-10627338-T-C. GRCh37 (hg19) VCF-style: chr1-10687395-T-C.
Other names: short protein forms S218P.
Identifiers: ClinVar variation 3658648 (VCV003658648.2).